The following is an entry in ClinVar:

NM_003183.6(ADAM17):c.1793dup (p.Asn598fs)

Genes: ADAM17 (ADAM metallopeptidase domain 17; minus strand), IAH1 (isoamyl acetate hydrolyzing esterase 1 (putative); plus strand). Cytogenetic location: 2p25.1.
Variant type: Duplication.
Coding change: c.1793dup on transcript NM_003183.6 (MANE Select); coding-DNA position 1793, one base duplicated (A; older notation c.1793dupA).
Protein change: p.Asn598fs; shifts the reading frame from asparagine 598.
Molecular consequence: frameshift variant.
Genome position (GRCh38, 1-based): chr2:9,494,758, T duplicated on the plus strand (A on the coding strand, the reverse complement: ADAM17 is on the minus strand); the first of 2 consecutive T bases (chr2:9,494,758-9,494,759); duplicating either gives the same sequence. VCF-style (leftmost placement, unchanged base first): chr2-9494757-G-GT. GRCh37 (hg19) VCF-style: chr2-9634886-G-GT.
Other names: short protein forms N598fs.
Identifiers: ClinVar variation 857427 (VCV000857427.7), dbSNP rs1662434135, ClinGen allele CA916082516.

ClinVar aggregate classification (germline): Pathogenic (1 of 4 stars; one submission).

Conditions:
Inflammatory skin and bowel disease, neonatal, 1. Identifiers: Orphanet 294023, MedGen C3280501, MONDO:0013693, OMIM 614328.

Submission:

Labcorp Genetics (formerly Invitae), Labcorp
Classification: Pathogenic for Inflammatory skin and bowel disease, neonatal, 1. Last evaluated: 2019-01-24. Review status: criteria provided, single submitter. Criteria: Invitae Variant Classification Sherloc (09022015). Collection method: clinical testing. Allele origin: germline.
Comment: This sequence change creates a premature translational stop signal (p.Asn598Lysfs*21) in the ADAM17 gene. It is expected to result in an absent or disrupted protein product. This variant is not present in population databases (ExAC no frequency). This variant has not been reported in the literature in individuals with ADAM17-related conditions. Loss-of-function variants in ADAM17 are known to be pathogenic (PMID: 22010916, 25804906). For these reasons, this variant has been classified as Pathogenic.

Literature cited by the submitters: PubMed 22010916; PubMed 25804906.